The following is an entry in ClinVar:

NM_000492.4(CFTR):c.3718-1G>C

Genes: CFTR (CF transmembrane conductance regulator; plus strand), CFTR-AS2 (CFTR antisense RNA 2; minus strand). Cytogenetic location: 7q31.2.
Variant type: single nucleotide variant.
Coding change: c.3718-1G>C on transcript NM_000492.4 (MANE Select); the canonical splice acceptor site of the intron before coding-DNA position 3718, G replaced by C.
Molecular consequence: splice acceptor variant.
Genome position (GRCh38, 1-based): chr7:117,642,437, G>C. VCF-style: chr7-117642437-G-C. GRCh37 (hg19) VCF-style: chr7-117282491-G-C.
Identifiers: ClinVar variation 2443046 (VCV002443046.2), dbSNP rs387906369, ClinGen allele CA368974395.
Genomic context (GRCh38, chr7:117,642,437, plus strand): 5'-TTATGTTTATGGCATGGTACCTATATGTCACAGAAGTGATCCCATCACTTTTACCTTATA[G>C]GTGGGCCTCTTGGGAAGAACTGGATCAGGGAAGAGTACTTTGTTATCAGCTTTTTTGAGA-3'

ClinVar aggregate classification (germline): Pathogenic/Likely pathogenic. Review status: criteria provided, multiple submitters, no conflicts (2 of 4 stars). 2 submissions from 2 submitters: Pathogenic (1); Likely pathogenic (1). Last evaluated 2023-01-12.

Conditions:
Cystic fibrosis (CF). Also called: MUCOVISCIDOSIS. Identifiers: Orphanet 586, MedGen C0010674, MONDO:0009061, OMIM 219700. Disease mechanism: loss of function.
Bronchiectasis with or without elevated sweat chloride 1 (BESC1). Also called: Cystic Fibrosis-Like Syndrome. Identifiers: Orphanet 60033, MedGen C2749757, MONDO:0008887, OMIM 211400.

Submissions (2):

Baylor Genetics
Classification: Likely pathogenic for Bronchiectasis with or without elevated sweat chloride 1. Last evaluated: 2023-01-12. Review status: criteria provided, single submitter. Criteria: ACMG Guidelines, 2015. Collection method: clinical testing. Allele origin: unknown.

Johns Hopkins Genomics, Johns Hopkins University
Classification: Pathogenic for Cystic fibrosis. Last evaluated: 2022-12-27. Review status: criteria provided, single submitter. Criteria: ACMG Guidelines, 2015. Collection method: clinical testing. Allele origin: germline.
Comment: This CFTR canonical splice site variant is absent from a large population dataset and has not been reported in ClinVar nor the literature, to our knowledge. This variant alters a canonical splice acceptor site and is predicted to cause abnormal gene splicing. We consider CFTR c.3718-1G>C to be pathogenic.